The following is an entry in ClinVar:

NM_014112.5(TRPS1):c.3111_3112del (p.Gln1037fs)

Gene: TRPS1 (transcriptional repressor GATA binding 1; minus strand). Cytogenetic location: 8q23.3.
Variant type: Deletion.
Coding change: c.3111_3112del on transcript NM_014112.5 (MANE Select); coding-DNA positions 3111 to 3112, 2 bases deleted (AA; older notation c.3111_3112delAA).
Protein change: p.Gln1037fs; shifts the reading frame from glutamine 1037.
Molecular consequence: frameshift variant.
Genome position (GRCh38, 1-based): chr8:115,414,796-115,414,797, TT deleted on the plus strand (AA on the coding strand, the reverse complement: TRPS1 is on the minus strand); deleting any 2 consecutive bases within chr8:115,414,796-115,414,798 gives the same sequence; the c. name uses the placement nearest the transcript's 3' end. VCF-style (leftmost placement, unchanged base first): chr8-115414795-GTT-G. GRCh37 (hg19) VCF-style: chr8-116427023-GTT-G.
Other names: c.3084_3085del, p.Gln1028fs (NM_001282902.3); c.3090_3091del, p.Gln1030fs (NM_001282903.3); c.3072_3073del, p.Gln1024fs (NM_001330599.2); c.3111_3112delAA (NM_014112.5); short protein forms Q1024fs, Q1028fs, Q1030fs, Q1037fs.
Identifiers: ClinVar variation 4851503 (VCV004851503.1).

ClinVar aggregate classification (germline): Likely pathogenic (1 of 4 stars; one submission).

Conditions:
Trichorhinophalangeal dysplasia type I (TRPS1). Also called: TRICHORHINOPHALANGEAL SYNDROME, TYPE I; TRPS I. Identifiers: Orphanet 77258, MedGen C0432233, MONDO:0008596, OMIM 190350.

Submission:

Division of Clinical Genetics, Department of Pediatrics, Seoul National University Children's Hospital
Classification: Likely pathogenic for Trichorhinophalangeal dysplasia type I. Last evaluated: 2026-05-24. Review status: criteria provided, single submitter. Criteria: ACMG Guidelines, 2015. Collection method: clinical testing. Allele origin: maternal. Affected: yes.
Comment: TRPS1 loss-of-function variants are an established cause of Trichorhinophalangeal syndrome, type I (TRPS1; OMIM #190350). The variant NM_014112.5:c.3072_3073delAA is located in exon 7 of TRPS1 and results in a frameshift, predicted to lead to nonsense-mediated mRNA decay or a truncated non-functional protein, qualifying as a null variant (PVS1). This variant is absent from the general population in gnomAD v4.1.1 (PM2). Based on these findings, this variant is classified as Likely Pathogenic according to the ACMG/AMP variant interpretation guidelines (Richards et al., 2015, PMID:25741868).